The following is an entry in ClinVar:

ClinVar aggregate classification (germline): Uncertain significance (1 of 4 stars; one submission).

Allele frequency attached by ClinVar (database versions not stated): gnomAD exomes below 0.00001.

Submission:

Labcorp Genetics (formerly Invitae), Labcorp
Classification: Uncertain significance. Last evaluated: 2021-06-18. Review status: criteria provided, single submitter. Criteria: Invitae Variant Classification Sherloc (09022015). Collection method: clinical testing. Allele origin: germline.
Comment: In summary, the available evidence is currently insufficient to determine the role of this variant in disease. Therefore, it has been classified as a Variant of Uncertain Significance. Algorithms developed to predict the effect of missense changes on protein structure and function are either unavailable or do not agree on the potential impact of this missense change (SIFT: "Deleterious"; PolyPhen-2: "Probably Damaging"; Align-GVGD: "Class C0"). This variant has not been reported in the literature in individuals with IRF2BP2-related conditions. This variant is not present in population databases (ExAC no frequency). This sequence change replaces proline with arginine at codon 176 of the IRF2BP2 protein (p.Pro176Arg). The proline residue is moderately conserved and there is a moderate physicochemical difference between proline and arginine.

NM_182972.3(IRF2BP2):c.527C>G (p.Pro176Arg)

Gene: IRF2BP2 (interferon regulatory factor 2 binding protein 2; minus strand). Cytogenetic location: 1q42.3.
Variant type: single nucleotide variant.
Coding change: c.527C>G on transcript NM_182972.3 (MANE Select); coding-DNA position 527, C replaced by G.
Protein change: p.Pro176Arg; replaces proline 176 with arginine.
Molecular consequence: missense variant.
Genome position (GRCh38, 1-based): chr1:234,608,968, G>C on the plus strand (C>G on the coding strand, the complement: IRF2BP2 is on the minus strand). VCF-style: chr1-234608968-G-C. GRCh37 (hg19) VCF-style: chr1-234744714-G-C.
Other names: c.527C>G, p.Pro176Arg (NM_001077397.1); short protein forms P176R.
Identifiers: ClinVar variation 1434033 (VCV001434033.8), dbSNP rs1312471146, ClinGen allele CA345309851.